The following is an entry in ClinVar:

ClinVar aggregate classification (germline): Pathogenic/Likely pathogenic. Review status: criteria provided, multiple submitters, no conflicts (2 of 4 stars). 2 submissions from 2 submitters: Pathogenic (1); Likely pathogenic (1). Last evaluated 2022-09-02.

Conditions:
Malan overgrowth syndrome (MALNS). Also called: Sotos syndrome 2; MALAN SYNDROME; NFIX-Related Malan Syndrome. Identifiers: Orphanet 420179, MedGen C3553660, MONDO:0013885, OMIM 614753.

Submissions (2):

Victorian Clinical Genetics Services, Murdoch Childrens Research Institute
Classification: Pathogenic for Malan overgrowth syndrome. Last evaluated: 2022-09-02. Review status: criteria provided, single submitter. Criteria: ACMG Guidelines, 2015. Collection method: clinical testing. Allele origin: germline. Inheritance: Autosomal dominant inheritance. Affected: yes.
Comment: Based on the classification scheme VCGS_Germline_v1.1.1, this variant is classified as Pathogenic. Following criteria are met: 0102 - Loss-of-function is a known mechanism of disease for this gene. (N) 0107 - This gene is known to be associated with autosomal dominant disease. (N) 0200 - Variant is predicted to result in a missense amino acid change from aspartic acid to tyrosine (exon 2). (N) 0251 - Variant is heterozygous. (N) 0301 - Variant is absent from gnomAD. (P) 0501 - Missense variant consistently predicted to be damaging by multiple in-silico tools or highly conserved with a major amino acid change. (P) 0602 - Variant is located in a hotspot region or cluster of pathogenic variants. (Decipher) (P) 0708 - Comparable variant has been previously reported as a VUS (ClinVar). (N) 0802 - Moderate previous evidence of pathogenicity in a de novo individual (Tatton-Brown, K. et al. (2017)). (P) 0905 - No segregation evidence has been identified for this variant. (N) 1007 - No published functional evidence has been identified for this variant. (N) 1102 - Strong phenotype match. (P) Legend: (P) - Pathogenic, (N) - Neutral, (B) - Benign

Institute of Human Genetics, University of Leipzig Medical Center
Classification: Likely pathogenic for Malan overgrowth syndrome. Last evaluated: 2021-11-01. Review status: criteria provided, single submitter. Criteria: ACMG Guidelines, 2015. Collection method: clinical testing. Allele origin: unknown. Affected: yes.
Comment: _x000D_ Criteria applied: PS4_MOD, PM1, PM2_SUP, PP2, PP3

Literature cited by the submitters: PubMed 28475857 (cited by Victorian Clinical Genetics Services, Murdoch Childrens Research Institute).

NM_001365902.3(NFIX):c.325G>T (p.Asp109Tyr)

Gene: NFIX (nuclear factor I X; plus strand). Cytogenetic location: 19p13.13.
Variant type: single nucleotide variant.
Coding change: c.325G>T on transcript NM_001365902.3 (MANE Select); coding-DNA position 325, G replaced by T.
Protein change: p.Asp109Tyr; replaces aspartic acid 109 with tyrosine.
Molecular consequence: missense variant.
Genome position (GRCh38, 1-based): chr19:13,025,318, G>T. VCF-style: chr19-13025318-G-T. GRCh37 (hg19) VCF-style: chr19-13136132-G-T.
Other names: c.349G>T, p.Asp117Tyr (NM_001271043.2); c.301G>T, p.Asp101Tyr (NM_001271044.3, NM_001378404.1); c.325G>T, p.Asp109Tyr (NM_001365982.2, NM_002501.4); c.184G>T, p.Asp62Tyr (NM_001365983.2); c.322G>T, p.Asp108Tyr (NM_001365984.2, NM_001365985.2); c.373G>T, p.Asp125Tyr (NM_001378405.1); c.325G>T (NM_002501.3); short protein forms D101Y, D108Y, D109Y, D117Y, D125Y, D62Y.
Identifiers: ClinVar variation 1325811 (VCV001325811.2), dbSNP rs2145192459, ClinGen allele CA404314291.